The following is an entry in ClinVar:

ClinVar aggregate classification (germline): Uncertain significance. Review status: criteria provided, multiple submitters, no conflicts (2 of 4 stars). 2 submissions from 2 submitters: Uncertain significance (2). Last evaluated 2025-11-26.

Conditions:
FMNL2-related disorder. Also called: FMNL2-related condition.

Allele frequency attached by ClinVar (database versions not stated): gnomAD exomes below 0.00001.
gnomAD v4.1: 1 of 1,613,376 alleles (0.000062%); highest among the groups gnomAD compares: Non-Finnish European, 0.000085%; no homozygotes.

Submissions (2):

Ambry Genetics
Classification: Uncertain significance. Last evaluated: 2025-11-26. Review status: criteria provided, single submitter. Criteria: Ambry Variant Classification Scheme 2023. Collection method: clinical testing. Allele origin: germline.

PreventionGenetics, part of Exact Sciences
Classification: Uncertain significance for FMNL2-related condition. Last evaluated: 2023-07-24. Review status: criteria provided, single submitter. Criteria: ACMG Guidelines, 2015. Collection method: clinical testing. Allele origin: germline.
Comment: The FMNL2 c.791C>G variant is predicted to result in the amino acid substitution p.Ala264Gly. To our knowledge, this variant has not been reported in the literature or in a large population database, indicating this variant is rare. At this time, the clinical significance of this variant is uncertain due to the absence of conclusive functional and genetic evidence.

NM_052905.4(FMNL2):c.791C>G (p.Ala264Gly)

Gene: FMNL2 (formin like 2; plus strand). Cytogenetic location: 2q23.3.
Variant type: single nucleotide variant.
Coding change: c.791C>G on transcript NM_052905.4 (MANE Select); coding-DNA position 791, C replaced by G.
Protein change: p.Ala264Gly; replaces alanine 264 with glycine.
Molecular consequence: missense variant.
Genome position (GRCh38, 1-based): chr2:152,580,964, C>G. VCF-style: chr2-152580964-C-G. GRCh37 (hg19) VCF-style: chr2-153437478-C-G.
Other names: short protein forms A264G.
Identifiers: ClinVar variation 2631440 (VCV002631440.2), dbSNP rs1180261451, ClinGen allele CA348827844.
Genomic context (GRCh38, chr2:152,580,964, plus strand): 5'-CTCATCATGCCATTTTCACTGATTTGTGTTTTTCTTCTTCTTGTTTTGGCAGAACAAAAG[C>G]CCTTGTCTTAGAACTGTTGGCAGCCGTTTGTCTTGTCAGAGGCGGGCATGAAATCATTTT-3'
Protein context (NP_443137.2, residues 254-274): SLNNKNPRTK[Ala264Gly]LVLELLAAVC